The following is an entry in ClinVar:

NM_006080.3(SEMA3A):c.569C>T (p.Thr190Ile)

Gene: SEMA3A (semaphorin 3A; minus strand). Cytogenetic location: 7q21.11.
Variant type: single nucleotide variant.
Coding change: c.569C>T on transcript NM_006080.3 (MANE Select); coding-DNA position 569, C replaced by T.
Protein change: p.Thr190Ile; replaces threonine 190 with isoleucine.
Molecular consequence: missense variant.
Genome position (GRCh38, 1-based): chr7:84,046,422, G>A on the plus strand (C>T on the coding strand, the complement: SEMA3A is on the minus strand). VCF-style: chr7-84046422-G-A. GRCh37 (hg19) VCF-style: chr7-83675738-G-A.
Other names: short protein forms T190I.
Identifiers: ClinVar variation 3043273 (VCV003043273.2), dbSNP rs1156471098, ClinGen allele CA368021572.

ClinVar aggregate classification (germline): Uncertain significance (0 of 4 stars; one submission).

Conditions:
SEMA3A-related disorder. Also called: SEMA3A-related condition.

Allele frequency attached by ClinVar (database versions not stated): gnomAD 0.00001; gnomAD exomes 0.00002.
gnomAD v4.1: 29 of 1,612,862 alleles (0.0018%); highest among the groups gnomAD compares: Non-Finnish European, 0.0025%; no homozygotes.

Submission:

PreventionGenetics, part of Exact Sciences
Classification: Uncertain significance for SEMA3A-related condition. Last evaluated: 2024-01-24. Review status: no assertion criteria provided. Collection method: clinical testing. Allele origin: germline.
Comment: The SEMA3A c.569C>T variant is predicted to result in the amino acid substitution p.Thr190Ile. To our knowledge, this variant has not been reported in the literature. This variant is reported in 0.0065% of alleles in individuals of European (Non-Finnish) descent in gnomAD. At this time, the clinical significance of this variant is uncertain due to the absence of conclusive functional and genetic evidence.